The following is an entry in ClinVar:

NM_005732.4(RAD50):c.3091C>G (p.Leu1031Val)

Gene: RAD50 (RAD50 double strand break repair protein; plus strand). Cytogenetic location: 5q31.1.
Variant type: single nucleotide variant.
Coding change: c.3091C>G on transcript NM_005732.4 (MANE Select); coding-DNA position 3091, C replaced by G.
Protein change: p.Leu1031Val; replaces leucine 1031 with valine.
Molecular consequence: missense variant.
Genome position (GRCh38, 1-based): chr5:132,616,057, C>G. VCF-style: chr5-132616057-C-G. GRCh37 (hg19) VCF-style: chr5-131951749-C-G.
Other names: c.3091C>G (NM_005732.3); short protein forms L1031V.
Identifiers: ClinVar variation 2110698 (VCV002110698.6), dbSNP rs2479384369, ClinGen allele CA360963607.

ClinVar aggregate classification (germline): Uncertain significance. Review status: criteria provided, multiple submitters, no conflicts (2 of 4 stars). 2 submissions from 2 submitters: Uncertain significance (2). Last evaluated 2023-02-25.

Conditions:
Hereditary cancer-predisposing syndrome. Also called: Neoplastic Syndromes, Hereditary; Hereditary Cancer Syndrome; Hereditary neoplastic syndrome; Tumor predisposition. Identifiers: Orphanet 140162, MedGen C0027672, MeSH D009386, MONDO:0015356.

Submissions (2):

Ambry Genetics
Classification: Uncertain significance for Hereditary cancer-predisposing syndrome. Last evaluated: 2023-02-25. Review status: criteria provided, single submitter. Criteria: Ambry Variant Classification Scheme 2023. Collection method: clinical testing. Allele origin: germline.
Comment: The p.L1031V variant (also known as c.3091C>G), located in coding exon 20 of the RAD50 gene, results from a C to G substitution at nucleotide position 3091. The leucine at codon 1031 is replaced by valine, an amino acid with highly similar properties. This amino acid position is conserved. In addition, this alteration is predicted to be tolerated by in silico analysis. Since supporting evidence is limited at this time, the clinical significance of this alteration remains unclear.

Labcorp Genetics (formerly Invitae), Labcorp
Classification: Uncertain significance for Hereditary cancer-predisposing syndrome. Last evaluated: 2022-03-13. Review status: criteria provided, single submitter. Criteria: Invitae Variant Classification Sherloc (09022015). Collection method: clinical testing. Allele origin: germline.
Comment: In summary, the available evidence is currently insufficient to determine the role of this variant in disease. Therefore, it has been classified as a Variant of Uncertain Significance. Algorithms developed to predict the effect of missense changes on protein structure and function (SIFT, PolyPhen-2, Align-GVGD) all suggest that this variant is likely to be tolerated. This variant has not been reported in the literature in individuals affected with RAD50-related conditions. This variant is not present in population databases (gnomAD no frequency). This sequence change replaces leucine, which is neutral and non-polar, with valine, which is neutral and non-polar, at codon 1031 of the RAD50 protein (p.Leu1031Val).